The following is an entry in ClinVar:

ClinVar aggregate classification (germline): Uncertain significance (1 of 4 stars; one submission).

gnomAD v4.1: 13 of 1,613,836 alleles (0.00081%); highest among the groups gnomAD compares: East Asian, 0.0045%; no homozygotes.

Submission:

Labcorp Genetics (formerly Invitae), Labcorp
Classification: Uncertain significance. Last evaluated: 2024-10-18. Review status: criteria provided, single submitter. Criteria: Invitae Variant Classification Sherloc (09022015). Collection method: clinical testing. Allele origin: germline.
Comment: This sequence change replaces arginine, which is basic and polar, with cysteine, which is neutral and slightly polar, at codon 2409 of the MYO18B protein (p.Arg2409Cys). This variant is present in population databases (rs763160003, gnomAD 0.005%). This variant has not been reported in the literature in individuals affected with MYO18B-related conditions. ClinVar contains an entry for this variant (Variation ID: 1517331). An algorithm developed to predict the effect of missense changes on protein structure and function (PolyPhen-2) suggests that this variant is likely to be disruptive. In summary, the available evidence is currently insufficient to determine the role of this variant in disease. Therefore, it has been classified as a Variant of Uncertain Significance.

NM_032608.7(MYO18B):c.7225C>T (p.Arg2409Cys)

Gene: MYO18B (myosin XVIIIB; plus strand). Cytogenetic location: 22q12.1.
Variant type: single nucleotide variant.
Coding change: c.7225C>T on transcript NM_032608.7 (MANE Select); coding-DNA position 7225, C replaced by T.
Protein change: p.Arg2409Cys; replaces arginine 2409 with cysteine.
Molecular consequence: missense variant.
Genome position (GRCh38, 1-based): chr22:26,027,199, C>T. VCF-style: chr22-26027199-C-T. GRCh37 (hg19) VCF-style: chr22-26423165-C-T.
Other names: c.7228C>T, p.Arg2410Cys (NM_001318245.2); short protein forms R2410C, R2409C.
Identifiers: ClinVar variation 1517331 (VCV001517331.6), dbSNP rs763160003, ClinGen allele CA10161729.
Genomic context (GRCh38, chr22:26,027,199, plus strand): 5'-TCCTCTGTGGACGATGCGGGCTGTCCAGACCTTGGAAAGGAGCCGCTTGTTTTCCAGAAC[C>T]GCCAGTTTGCCCACCTGATGGAGGAACCTCTAGGCAGTGACCCATTCAGCTGGAAACTCC-3'
Protein context (NP_115997.5, residues 2399-2419): LGKEPLVFQN[Arg2409Cys]QFAHLMEEPL